The following is an entry in ClinVar:

NM_001458.5(FLNC):c.5842+8G>A

Genes: FLNC (filamin C; plus strand), FLNC-AS1 (FLNC antisense RNA 1; minus strand). Cytogenetic location: 7q32.1.
Variant type: single nucleotide variant.
Coding change: c.5842+8G>A on transcript NM_001458.5 (MANE Select); 8 bases into the intron after coding-DNA position 5842, G replaced by A.
Molecular consequence: intron variant.
Genome position (GRCh38, 1-based): chr7:128,851,636, G>A. VCF-style: chr7-128851636-G-A. GRCh37 (hg19) VCF-style: chr7-128491690-G-A.
Other names: c.5743+8G>A (NM_001127487.2).
Identifiers: ClinVar variation 472114 (VCV000472114.44), dbSNP rs781168906, ClinGen allele CA4475799.
Genomic context (GRCh38, chr7:128,851,636, plus strand): 5'-GCGCTTCGATGACAAGCACATCCCGGGGAGCCCCTTCACAGCCAAGATCACAGGTGAGGC[G>A]GGTGTATGGGCATGTACAGCCCATGAGGCACACACACCGCATACAGTGCACTCATGTGCA-3'

ClinVar aggregate classification (germline): Benign/Likely benign. Review status: criteria provided, multiple submitters, no conflicts (2 of 4 stars). 5 submissions from 5 submitters: Benign (2); Likely benign (3). Last evaluated 2026-09-01.

Conditions:
FLNC-related disorder. Also called: FLNC-related condition; FLNC-related disorders.
Distal myopathy with posterior leg and anterior hand involvement. Also called: WILLIAMS DISTAL MYOPATHY. Identifiers: Orphanet 63273, MedGen C3279722, MONDO:0013550, OMIM 614065.
Hypertrophic cardiomyopathy 26. Also called: Cardiomyopathy, familial hypertrophic, 26. Identifiers: Orphanet 75249, MedGen C4310749, MONDO:0014883, OMIM 617047.
Myofibrillar myopathy 5. Also called: Filaminopathy (type); FILAMINOPATHY, AUTOSOMAL DOMINANT. Identifiers: Orphanet 171445, MedGen C1836050, MONDO:0012289, OMIM 609524.

Allele frequency attached by ClinVar (database versions not stated): gnomAD 0.00009; gnomAD exomes 0.00011 and 0.00032; TOPMed 0.00018; ExAC 0.00043.
gnomAD v4.1: 182 of 1,613,526 alleles (0.011%); highest among the groups gnomAD compares: Admixed American, 0.15%; 2 homozygotes.

Submissions (5):

CeGaT Center for Human Genetics Tuebingen
Classification: Likely benign. Last evaluated: 2026-09-01. Review status: criteria provided, single submitter. Criteria: CeGaT Center For Human Genetics Tuebingen Variant Classification Criteria Version 2. Collection method: clinical testing. Allele origin: germline. Affected: yes. Observed: 5 variant alleles.
Comment: FLNC: BP4, BS1

Molecular Diagnostic Laboratory for Inherited Cardiovascular Disease, Montreal Heart Institute
Classification: Likely benign. Last evaluated: 2026-03-27. Review status: criteria provided, single submitter. Criteria: ACMG Guidelines, 2015. Collection method: clinical testing. Allele origin: germline. Affected: no.
Comment: BS1

Labcorp Genetics (formerly Invitae), Labcorp
Classification: Benign for Distal myopathy with posterior leg and anterior hand involvement; Myofibrillar myopathy 5; Hypertrophic cardiomyopathy 26. Last evaluated: 2026-02-02. Review status: criteria provided, single submitter. Criteria: Invitae Variant Classification Sherloc (09022015). Collection method: clinical testing. Allele origin: germline.

PreventionGenetics, part of Exact Sciences
Classification: Likely benign for FLNC-related condition. Last evaluated: 2025-03-18. Review status: criteria provided, single submitter. Criteria: ACMG Guidelines, 2015. Collection method: clinical testing. Allele origin: germline.
Comment: This variant is classified as likely benign based on ACMG/AMP sequence variant interpretation guidelines (Richards et al. 2015 PMID: 25741868, with internal and published modifications).

Women's Health and Genetics/Laboratory Corporation of America, LabCorp
Classification: Benign. Last evaluated: 2024-03-11. Review status: criteria provided, single submitter. Criteria: LabCorp Variant Classification Summary - May 2015. Collection method: clinical testing. Allele origin: germline.